The following is an entry in ClinVar:

ClinVar aggregate classification (germline): Likely benign. Review status: criteria provided, multiple submitters, no conflicts (2 of 4 stars). 5 submissions from 5 submitters: Likely benign (5). Last evaluated 2025-09-01.

Allele frequency attached by ClinVar (database versions not stated): TOPMed 0.00004; gnomAD 0.00005 and 0.00006; ESP Exome Variant Server 0.00008; 1000 Genomes Project 30x 0.00016; 1000 Genomes Project 0.00020.
gnomAD v4.1: 53 of 1,613,470 alleles (0.0033%); highest among the groups gnomAD compares: African/African-American, 0.017%; no homozygotes.

Submissions (5):

CeGaT Center for Human Genetics Tuebingen
Classification: Likely benign. Last evaluated: 2025-09-01. Review status: criteria provided, single submitter. Criteria: CeGaT Center For Human Genetics Tuebingen Variant Classification Criteria Version 2. Collection method: clinical testing. Allele origin: germline. Affected: yes. Observed: 1 variant allele.
Comment: COL9A3: BP4, BP7

Labcorp Genetics (formerly Invitae), Labcorp
Classification: Likely benign. Last evaluated: 2025-07-23. Review status: criteria provided, single submitter. Criteria: Invitae Variant Classification Sherloc (09022015). Collection method: clinical testing. Allele origin: germline.

Blueprint Genetics
Classification: Likely benign. Last evaluated: 2024-06-26. Review status: criteria provided, single submitter. Criteria: ACMG Guidelines, 2015. Collection method: clinical testing. Allele origin: germline.

GeneDx
Classification: Likely benign. Last evaluated: 2019-12-26. Review status: criteria provided, single submitter. Criteria: GeneDx Variant Classification Process June 2021. Collection method: clinical testing. Allele origin: germline. Affected: yes.

Breakthrough Genomics
Classification: Likely benign. Review status: criteria provided, single submitter. Criteria: ACMG Guidelines, 2015. Collection method: not provided. Allele origin: germline. Inheritance: Autosomal recessive inheritance. Affected: yes.

NM_001853.4(COL9A3):c.1650C>T (p.Pro550=)

Gene: COL9A3 (collagen type IX alpha 3 chain; plus strand). Cytogenetic location: 20q13.33.
Variant type: single nucleotide variant.
Coding change: c.1650C>T on transcript NM_001853.4 (MANE Select); coding-DNA position 1650, C replaced by T.
Protein change: p.Pro550=; no amino-acid change (proline 550 retained).
Molecular consequence: synonymous variant.
Genome position (GRCh38, 1-based): chr20:62,837,129, C>T. VCF-style: chr20-62837129-C-T. GRCh37 (hg19) VCF-style: chr20-61468481-C-T.
Identifiers: ClinVar variation 1213065 (VCV001213065.20), dbSNP rs372820819, ClinGen allele CA9950129.
Genomic context (GRCh38, chr20:62,837,129, plus strand): 5'-TTGTTTTCCCAAAGAACAAATTGCACAGTTAGCCGCGCACCTAAGGAAGCCTTTGGCACC[C>T]GGGTCCATTGGTCGGCCCGGTCCAGCTGGCCCCCCTGGGCCCCCAGGACCCCCAGGCTCC-3'
Protein context (NP_001844.3, residues 540-560): LAAHLRKPLA[Pro550=]GSIGRPGPAG